The following is an entry in ClinVar:

ClinVar aggregate classification (germline): Uncertain significance (1 of 4 stars; one submission).

Conditions:
Miller syndrome (POADS). Also called: GENEE-WIEDEMANN SYNDROME; Genee-Wiedemann acrofacial dysostosis. Identifiers: Orphanet 246, MedGen C0265257, MONDO:0009903, OMIM 263750.

Submission:

Juno Genomics, Hangzhou Juno Genomics, Inc
Classification: Uncertain significance for Miller syndrome. Review status: criteria provided, single submitter. Criteria: ACMG Guidelines, 2015. Collection method: clinical testing. Allele origin: germline.
Comment: Protein length changes due to in-frame deletions/insertions in a non-repeat region or stop-loss variants.;Absent from controls (or at extremely low frequency if recessive) in Genome Aggregation Database.

NM_001361.5(DHODH):c.792GGA[1] (p.Glu265del)

Gene: DHODH (dihydroorotate dehydrogenase (quinone); plus strand). Cytogenetic location: 16q22.2.
Variant type: Microsatellite.
Coding change: c.792GGA[1] on transcript NM_001361.5 (MANE Select); one copy of the 3-base unit GGA starting at c.792; the reference has two copies in a row; one copy, 3 bases deleted; also written c.795_797del.
Protein change: p.Glu265del; deletes glutamic acid 265.
Molecular consequence: inframe deletion.
Genome position (GRCh38, 1-based): chr16:72,022,451-72,022,453, GGA deleted; deleting any 3 consecutive bases within chr16:72,022,447-72,022,453 gives the same sequence; the position shown is the placement nearest the transcript's 3' end. VCF-style (leftmost placement, unchanged base first): chr16-72022446-AAGG-A. GRCh37 (hg19) VCF-style: chr16-72056345-AAGG-A.
Other names: c.795_797del (NM_001361.5); short protein forms E265del.
Identifiers: ClinVar variation 5005633 (VCV005005633.2).
Genomic context (GRCh38, chr16:72,022,446, plus strand): 5'-CGGAGAGTGCACAGGCCGGCAGTCCTGGTGAAGATCGCTCCTGACCTCACCAGCCAGGAT[AAGG>A]AGGACATTGCCAGTGTGGTCAAAGAGGTTTGAGTCGGGGCCTGGGCCCAGGGTGTGCCTC-3'